The following is an entry in ClinVar:

ClinVar aggregate classification (germline): Benign (1 of 4 stars; one submission).

Conditions:
Leigh syndrome (NULS). Also called: Leigh's necrotizing encephalopathy; Leigh's disease; Leigh Syndrome (mtDNA deletion); Leigh Disease; Subacute necrotizing encephalopathy; Necrotizing encephalopathy infantile subacute of Leigh. Identifiers: Orphanet 506, MedGen C2931891, MONDO:0009723, OMIM 256000.

Submission:

Wong Mito Lab, Molecular and Human Genetics, Baylor College of Medicine
Classification: Benign for Leigh syndrome. Last evaluated: 2019-10-17. Review status: criteria provided, single submitter. Criteria: Modified ACMG Guidelines (Unpublished). Collection method: clinical testing. Allele origin: germline.
Comment: The NC_012920.1:m.8541G>A (YP_003024030.1:p.Cys59Tyr) variant in MTATP8 gene is interpretated to be a Benign variant based on the modified ACMG guidelines (unpublished). This variant meets the following evidence codes: BS1, BS4, BP4

NC_012920.1(MT-ATP8):m.8541G>A

Genes: MT-ATP6 (mitochondrially encoded ATP synthase 6; plus strand), MT-ATP8 (mitochondrially encoded ATP synthase 8; plus strand).
Variant type: single nucleotide variant.
Genome position: chrM-8541-G-A.
Identifiers: ClinVar variation 692891 (VCV000692891.1), dbSNP rs1569484218, ClinGen allele CA414796580.